The following is an entry in ClinVar:

ClinVar aggregate classification (germline): Pathogenic (1 of 4 stars; one submission).

Conditions:
Deficiency of steroid 11-beta-monooxygenase (CYP11B1). Also called: ADRENAL HYPERPLASIA, CONGENITAL, DUE TO STEROID 11-BETA-HYDROXYLASE DEFICIENCY; 11-BETA-HYDROXYLASE DEFICIENCY; ADRENAL HYPERPLASIA IV; P450C11B1 DEFICIENCY; STEROID 11-BETA-HYDROXYLASE DEFICIENCY; Congenital adrenal hyperplasia due to 11-beta-hydroxylase deficiency. Identifiers: Orphanet 90795, MedGen C0268292, MONDO:0008729, OMIM 202010. Disease mechanism: loss of function.

Submission:

Myriad Genetics, Inc.
Classification: Pathogenic for Deficiency of steroid 11-beta-monooxygenase. Last evaluated: 2023-09-27. Review status: criteria provided, single submitter. Criteria: Myriad Autosomal Dominant, Autosomal Recessive and X-Linked Classification Criteria (2023). Collection method: clinical testing. Allele origin: unknown.
Comment: NM_000497.3(CYP11B1):c.514dupC(L172Pfs*87) is expected to be pathogenic in the context of congenital adrenal hyperplasia, CYP11B1-related. This variant is predicted to lead to an abnormal or absent protein product due to the creation of a premature termination codon in CYP11B1, a gene where loss-of-function variants are known to be pathogenic. Please note: this variant was assessed in the context of healthy population screening.

NM_000497.4(CYP11B1):c.514dup (p.Leu172fs)

Genes: CYP11B1 (cytochrome P450 family 11 subfamily B member 1; minus strand), LOC106799833 (CYP11B1 recombination region; plus strand). Cytogenetic location: 8q24.3.
Variant type: Duplication.
Coding change: c.514dup on transcript NM_000497.4 (MANE Select); coding-DNA position 514, one base duplicated (C; older notation c.514dupC).
Protein change: p.Leu172fs; shifts the reading frame from leucine 172.
Molecular consequence: frameshift variant.
Genome position (GRCh38, 1-based): chr8:142,877,104, G duplicated on the plus strand (C on the coding strand, the reverse complement: CYP11B1 is on the minus strand); the first of 3 consecutive G bases (chr8:142,877,104-142,877,106); duplicating any one gives the same sequence. VCF-style (leftmost placement, unchanged base first): chr8-142877103-A-AG. GRCh37 (hg19) VCF-style: chr8-143958519-A-AG.
Other names: c.514dup, p.Leu172fs (NM_001026213.1); short protein forms L172fs.
Identifiers: ClinVar variation 5011835 (VCV005011835.1).